The following is an entry in ClinVar:

NM_144639.3(UROC1):c.1998C>T (p.Asp666=)

Gene: UROC1 (urocanate hydratase 1; minus strand). Cytogenetic location: 3q21.3.
Variant type: single nucleotide variant.
Coding change: c.1998C>T on transcript NM_144639.3 (MANE Select); coding-DNA position 1998, C replaced by T.
Protein change: p.Asp666=; no amino-acid change (aspartic acid 666 retained).
Molecular consequence: synonymous variant.
Genome position (GRCh38, 1-based): chr3:126,482,378, G>A on the plus strand (C>T on the coding strand, the complement: UROC1 is on the minus strand). VCF-style: chr3-126482378-G-A. GRCh37 (hg19) VCF-style: chr3-126201221-G-A.
Other names: c.2178C>T, p.Asp726= (NM_001165974.2).
Identifiers: ClinVar variation 2654094 (VCV002654094.24), dbSNP rs199712731, ClinGen allele CA2590773.
Genomic context (GRCh38, chr3:126,482,378, plus strand): 5'-AGGCAGGGGCCGCGACTCCTGGCTCCCTCAGAGCTGCAGGGCCTGCTGGAGCACCCGCTC[G>A]TCCTCCACCTTGTGAGGCAGTGTCACCACCAAGGTGCTGTTCTCCTGCATGGTCTGGCAG-3'
Protein context (NP_653240.1, residues 656-676): LVVTLPHKVE[Asp666=]ERVLQQALQL

ClinVar aggregate classification (germline): Likely benign (1 of 4 stars; one submission).

Allele frequency attached by ClinVar (database versions not stated): 1000 Genomes Project 30x 0.00016; 1000 Genomes Project 0.00020; ExAC 0.00034; ESP Exome Variant Server 0.00062.
gnomAD v4.1: 693 of 1,613,706 alleles (0.043%); highest among the groups gnomAD compares: Non-Finnish European, 0.051%; no homozygotes.

Submission:

CeGaT Center for Human Genetics Tuebingen
Classification: Likely benign. Last evaluated: 2025-03-01. Review status: criteria provided, single submitter. Criteria: CeGaT Center For Human Genetics Tuebingen Variant Classification Criteria Version 2. Collection method: clinical testing. Allele origin: germline. Affected: yes. Observed: 2 variant alleles.
Comment: UROC1: BP4, BP7